The following is an entry in ClinVar:

NM_001035.3(RYR2):c.5543C>G (p.Pro1848Arg)

Gene: RYR2 (ryanodine receptor 2; plus strand). Cytogenetic location: 1q43.
Variant type: single nucleotide variant.
Coding change: c.5543C>G on transcript NM_001035.3 (MANE Select); coding-DNA position 5543, C replaced by G.
Protein change: p.Pro1848Arg; replaces proline 1848 with arginine.
Molecular consequence: missense variant.
Genome position (GRCh38, 1-based): chr1:237,614,671, C>G. VCF-style: chr1-237614671-C-G. GRCh37 (hg19) VCF-style: chr1-237777971-C-G.
Other names: short protein forms P1848R.
Identifiers: ClinVar variation 4811347 (VCV004811347.1).

ClinVar aggregate classification (germline): Uncertain significance (1 of 4 stars; one submission).

Conditions:
Catecholaminergic polymorphic ventricular tachycardia 1. Also called: VENTRICULAR TACHYCARDIA, STRESS-INDUCED POLYMORPHIC 1; VENTRICULAR TACHYCARDIA, CATECHOLAMINERGIC POLYMORPHIC, 1, WITH OR WITHOUT ATRIAL DYSFUNCTION AND/OR DILATED CARDIOMYOPATHY; RYR2-Related Catecholaminergic Polymorphic Ventricular Tachycardia. Identifiers: Orphanet 3286, MedGen C1631597, MONDO:0011484, OMIM 604772.

gnomAD v4.1: 2 of 1,613,950 alleles (0.00012%); highest among the groups gnomAD compares: South Asian, 0.0022%; no homozygotes.

Submission:

Labcorp Genetics (formerly Invitae), Labcorp
Classification: Uncertain significance for Catecholaminergic polymorphic ventricular tachycardia 1. Last evaluated: 2025-12-21. Review status: criteria provided, single submitter. Criteria: Invitae Variant Classification Sherloc (09022015). Collection method: clinical testing. Allele origin: germline.
Comment: This sequence change replaces proline, which is neutral and non-polar, with arginine, which is basic and polar, at codon 1848 of the RYR2 protein (p.Pro1848Arg). This variant is present in population databases (no rsID available, gnomAD 0.003%). This variant has not been reported in the literature in individuals affected with RYR2-related conditions. Invitae Evidence Modeling of protein sequence and biophysical properties (such as structural, functional, and spatial information, amino acid conservation, physicochemical variation, residue mobility, and thermodynamic stability) indicates that this missense variant is not expected to disrupt RYR2 protein function with a negative predictive value of 95%. In summary, the available evidence is currently insufficient to determine the role of this variant in disease. Therefore, it has been classified as a Variant of Uncertain Significance.